The following is an entry in ClinVar:

ClinVar aggregate classification (germline): Uncertain significance (1 of 4 stars; one submission).

Conditions:
Cardiovascular phenotype. Identifiers: MedGen CN230736.

Allele frequency attached by ClinVar (database versions not stated): gnomAD exomes below 0.00001; TOPMed below 0.00001; ExAC 0.00001; gnomAD 0.00001.
gnomAD v4.1: 4 of 1,614,034 alleles (0.00025%); highest among the groups gnomAD compares: Middle Eastern, 0.016%; no homozygotes.

Submission:

Ambry Genetics
Classification: Uncertain significance for Cardiovascular phenotype. Last evaluated: 2023-05-29. Review status: criteria provided, single submitter. Criteria: Ambry Variant Classification Scheme 2023. Collection method: clinical testing. Allele origin: germline.
Comment: The p.F1615L variant (also known as c.4845C>G), located in coding exon 27 of the SCN10A gene, results from a C to G substitution at nucleotide position 4845. The phenylalanine at codon 1615 is replaced by leucine, an amino acid with highly similar properties. This amino acid position is conserved. In addition, the in silico prediction for this alteration is inconclusive. Since supporting evidence is limited at this time, the clinical significance of this alteration remains unclear.

NM_006514.4(SCN10A):c.4845C>G (p.Phe1615Leu)

Gene: SCN10A (sodium voltage-gated channel alpha subunit 10; minus strand). Cytogenetic location: 3p22.2.
Variant type: single nucleotide variant.
Coding change: c.4845C>G on transcript NM_006514.4 (MANE Select); coding-DNA position 4845, C replaced by G.
Protein change: p.Phe1615Leu; replaces phenylalanine 1615 with leucine.
Molecular consequence: missense variant.
Genome position (GRCh38, 1-based): chr3:38,698,375, G>C on the plus strand (C>G on the coding strand, the complement: SCN10A is on the minus strand). VCF-style: chr3-38698375-G-C. GRCh37 (hg19) VCF-style: chr3-38739866-G-C.
Other names: c.4842C>G, p.Phe1614Leu (NM_001293306.2); c.4551C>G, p.Phe1517Leu (NM_001293307.2); short protein forms F1517L, F1614L, F1615L.
Identifiers: ClinVar variation 2563726 (VCV002563726.2), dbSNP rs767767715, ClinGen allele CA2319797.